The following is an entry in ClinVar:

ClinVar aggregate classification (germline): Uncertain significance (1 of 4 stars; one submission).

gnomAD v4.1: 57 of 1,612,864 alleles (0.0035%); highest among the groups gnomAD compares: Middle Eastern, 0.016%; no homozygotes.

Submission:

GeneDx
Classification: Uncertain significance. Last evaluated: 2024-10-25. Review status: criteria provided, single submitter. Criteria: GeneDx Variant Classification Process June 2021. Collection method: clinical testing. Allele origin: germline. Affected: yes.
Comment: Identified in an individual from a cohort of patients with isolated hypercholesterolemia, but familial segregation information and additional clinical information were not included (PMID: 33303402); Not observed at significant frequency in large population cohorts (gnomAD); In silico analysis indicates that this missense variant does not alter protein structure/function; This variant is associated with the following publications: (PMID: 32033914, 33303402)

NM_022773.4(LMF1):c.817A>C (p.Ile273Leu)

Gene: LMF1 (lipase maturation factor 1; minus strand). Cytogenetic location: 16p13.3.
Variant type: single nucleotide variant.
Coding change: c.817A>C on transcript NM_022773.4 (MANE Select); coding-DNA position 817, A replaced by C.
Protein change: p.Ile273Leu; replaces isoleucine 273 with leucine.
Molecular consequence: missense variant. On other transcripts: non-coding transcript variant (1).
Genome position (GRCh38, 1-based): chr16:879,650, T>G on the plus strand (A>C on the coding strand, the complement: LMF1 is on the minus strand). VCF-style: chr16-879650-T-G. GRCh37 (hg19) VCF-style: chr16-929650-T-G.
Other names: c.166A>C, p.Ile56Leu (NM_001352017.2, NM_001352021.2); c.418A>C, p.Ile140Leu (NM_001352018.2); c.490A>C, p.Ile164Leu (NM_001352019.2); c.817A>C, p.Ile273Leu (NM_001352020.1); short protein forms I140L, I164L, I273L, I56L.
Identifiers: ClinVar variation 3893327 (VCV003893327.1).